The following is an entry in ClinVar:

NM_182914.3(SYNE2):c.11061A>G (p.Ala3687=)

Gene: SYNE2 (spectrin repeat containing nuclear envelope protein 2; plus strand). Cytogenetic location: 14q23.2.
Variant type: single nucleotide variant.
Coding change: c.11061A>G on transcript NM_182914.3 (MANE Select); coding-DNA position 11061, A replaced by G.
Protein change: p.Ala3687=; no amino-acid change (alanine 3687 retained).
Molecular consequence: synonymous variant.
Genome position (GRCh38, 1-based): chr14:64,078,504, A>G. VCF-style: chr14-64078504-A-G. GRCh37 (hg19) VCF-style: chr14-64545222-A-G.
Other names: c.11061A>G, p.Ala3687= (NM_015180.6).
Identifiers: ClinVar variation 313557 (VCV000313557.40), dbSNP rs769752720, ClinGen allele CA7221692.

ClinVar aggregate classification (germline): Benign/Likely benign. Review status: criteria provided, multiple submitters, no conflicts (2 of 4 stars). 4 submissions from 4 submitters: Benign (1); Likely benign (3). Last evaluated 2026-01-05.

Conditions:
Emery-Dreifuss muscular dystrophy 5, autosomal dominant (EDMD5). Also called: EMERY-DREIFUSS MUSCULAR DYSTROPHY 5. Identifiers: Orphanet 261, MedGen C2751805, MONDO:0013072, OMIM 612999.

Allele frequency attached by ClinVar (database versions not stated): TOPMed 0.00011; ExAC 0.00013; gnomAD 0.00015 and 0.00016.
gnomAD v4.1: 249 of 1,614,024 alleles (0.015%); highest among the groups gnomAD compares: Non-Finnish European, 0.021%; no homozygotes.

Submissions (4):

Labcorp Genetics (formerly Invitae), Labcorp
Classification: Likely benign for Emery-Dreifuss muscular dystrophy 5, autosomal dominant. Last evaluated: 2026-01-05. Review status: criteria provided, single submitter. Criteria: Invitae Variant Classification Sherloc (09022015). Collection method: clinical testing. Allele origin: germline.

Blueprint Genetics
Classification: Likely benign. Last evaluated: 2024-11-22. Review status: criteria provided, single submitter. Criteria: ACMG Guidelines, 2015. Collection method: clinical testing. Allele origin: germline.

CeGaT Center for Human Genetics Tuebingen
Classification: Likely benign. Last evaluated: 2023-03-01. Review status: criteria provided, single submitter. Criteria: CeGaT Center For Human Genetics Tuebingen Variant Classification Criteria Version 2. Collection method: clinical testing. Allele origin: germline. Affected: yes. Observed: 2 variant alleles.
Comment: SYNE2: BP4, BP7

Illumina Laboratory Services, Illumina
Classification: Benign for Emery-Dreifuss muscular dystrophy 5, autosomal dominant. Last evaluated: 2018-01-13. Review status: criteria provided, single submitter. Criteria: ICSL Variant Classification Criteria 13 December 2019. Collection method: clinical testing. Allele origin: germline.
Comment: This variant was observed in the ICSL laboratory as part of a predisposition screen in an ostensibly healthy population. It had not been previously curated by ICSL or reported in the Human Gene Mutation Database (HGMD: prior to June 1st, 2018), and was therefore a candidate for classification through an automated scoring system. Utilizing variant allele frequency, disease prevalence and penetrance estimates, and inheritance mode, an automated score was calculated to assess if this variant is too frequent to cause the disease. Based on the score and internal cut-off values, a variant classified as benign is not then subjected to further curation. The score for this variant resulted in a classification of benign for this disease.